The following is an entry in ClinVar:

ClinVar aggregate classification (germline): Likely benign (1 of 4 stars; one submission).

Allele frequency attached by ClinVar (database versions not stated): gnomAD 0.00028; TOPMed 0.00031; ExAC 0.00037.
gnomAD v4.1: 583 of 1,607,004 alleles (0.036%); highest among the groups gnomAD compares: Middle Eastern, 0.099%; no homozygotes.

Submission:

CeGaT Center for Human Genetics Tuebingen
Classification: Likely benign. Last evaluated: 2023-02-01. Review status: criteria provided, single submitter. Criteria: CeGaT Center For Human Genetics Tuebingen Variant Classification Criteria Version 2. Collection method: clinical testing. Allele origin: germline. Affected: yes. Observed: 1 variant allele.
Comment: PPP2R2B: BS1

NM_181675.4(PPP2R2B):c.-84C>G

Gene: PPP2R2B (protein phosphatase 2 regulatory subunit Bbeta; minus strand). Cytogenetic location: 5q32.
Variant type: single nucleotide variant.
Coding change: c.-84C>G on transcript NM_181675.4 (MANE Select); 84 bases upstream of the start codon, C replaced by G.
Molecular consequence: 5 prime UTR variant. On other transcripts: missense variant (2), non-coding transcript variant (2), intron variant (4).
Genome position (GRCh38, 1-based): chr5:146,878,155, G>C on the plus strand (C>G on the coding strand, the complement: PPP2R2B is on the minus strand). VCF-style: chr5-146878155-G-C. GRCh37 (hg19) VCF-style: chr5-146257718-G-C.
Other names: c.-84C>G (NM_001127381.1, NM_004576.2); c.91C>G, p.Leu31Val (NM_001271900.2); c.-202C>G (NM_001271948.2); c.115C>G, p.Leu39Val (NM_181674.3); c.80-177013C>G (NM_181676.3); c.89-177013C>G (NM_001271899.1); c.-48-21572C>G (NM_181678.2); c.10+157014C>G (NM_181677.2); short protein forms L31V, L39V.
Identifiers: ClinVar variation 2498987 (VCV002498987.28), dbSNP rs766675779, ClinGen allele CA3492894.